The following is an entry in ClinVar:

ClinVar aggregate classification (germline): Uncertain significance. Review status: criteria provided, multiple submitters, no conflicts (2 of 4 stars). 2 submissions from 2 submitters: Uncertain significance (2). Last evaluated 2025-06-11.

Allele frequency attached by ClinVar (database versions not stated): gnomAD 0.00001; gnomAD exomes 0.00001; TOPMed 0.00001; ExAC 0.00002.
gnomAD v4.1: 11 of 1,611,484 alleles (0.00068%); highest among the groups gnomAD compares: East Asian, 0.018%; no homozygotes.

Submissions (2):

Labcorp Genetics (formerly Invitae), Labcorp
Classification: Uncertain significance. Last evaluated: 2025-06-11. Review status: criteria provided, single submitter. Criteria: Invitae Variant Classification Sherloc (09022015). Collection method: clinical testing. Allele origin: germline.
Comment: This sequence change replaces leucine, which is neutral and non-polar, with serine, which is neutral and polar, at codon 218 of the ZNF687 protein (p.Leu218Ser). This variant is present in population databases (rs772151607, gnomAD 0.03%). This variant has not been reported in the literature in individuals affected with ZNF687-related conditions. ClinVar contains an entry for this variant (Variation ID: 2542830). An algorithm developed to predict the effect of missense changes on protein structure and function outputs the following: PolyPhen-2: "Benign". The serine amino acid residue is found in multiple mammalian species, which suggests that this missense change does not adversely affect protein function. In summary, the available evidence is currently insufficient to determine the role of this variant in disease. Therefore, it has been classified as a Variant of Uncertain Significance.

Ambry Genetics
Classification: Uncertain significance. Last evaluated: 2023-05-03. Review status: criteria provided, single submitter. Criteria: Ambry Variant Classification Scheme 2023. Collection method: clinical testing. Allele origin: germline.

NM_020832.3(ZNF687):c.653T>C (p.Leu218Ser)

Gene: ZNF687 (zinc finger protein 687; plus strand). Cytogenetic location: 1q21.3.
Variant type: single nucleotide variant.
Coding change: c.653T>C on transcript NM_020832.3 (MANE Select); coding-DNA position 653, T replaced by C.
Protein change: p.Leu218Ser; replaces leucine 218 with serine.
Molecular consequence: missense variant.
Genome position (GRCh38, 1-based): chr1:151,286,944, T>C. VCF-style: chr1-151286944-T-C. GRCh37 (hg19) VCF-style: chr1-151259420-T-C.
Other names: c.653T>C, p.Leu218Ser (NM_001304763.2, NM_001304764.2); short protein forms L218S.
Identifiers: ClinVar variation 2542830 (VCV002542830.3), dbSNP rs772151607, ClinGen allele CA1088194.